The following is an entry in ClinVar:

NM_002184.4(IL6ST):c.2542C>A (p.Leu848Ile)

Gene: IL6ST (interleukin 6 cytokine family signal transducer; minus strand). Cytogenetic location: 5q11.2.
Variant type: single nucleotide variant.
Coding change: c.2542C>A on transcript NM_002184.4 (MANE Select); coding-DNA position 2542, C replaced by A.
Protein change: p.Leu848Ile; replaces leucine 848 with isoleucine.
Molecular consequence: missense variant. On other transcripts: 3 prime UTR variant (1), non-coding transcript variant (2).
Genome position (GRCh38, 1-based): chr5:55,941,297, G>T on the plus strand (C>A on the coding strand, the complement: IL6ST is on the minus strand). VCF-style: chr5-55941297-G-T. GRCh37 (hg19) VCF-style: chr5-55237125-G-T.
Other names: c.2359C>A, p.Leu787Ile (NM_001190981.2); c.2440C>A, p.Leu814Ile (NM_001364275.2); c.2332C>A, p.Leu778Ile (NM_001364276.2); c.1675C>A, p.Leu559Ile (NM_001364277.2); c.1639C>A, p.Leu547Ile (NM_001364278.2); c.1546C>A, p.Leu516Ile (NM_001364279.2); c.*1469C>A (NM_175767.3); short protein forms L848I, L559I, L778I, L814I, L516I, L787I, L547I.
Identifiers: ClinVar variation 2755584 (VCV002755584.3), dbSNP rs535657497, ClinGen allele CA359777855.

ClinVar aggregate classification (germline): Uncertain significance (1 of 4 stars; one submission).

gnomAD v4.1: 1 of 1,613,904 alleles (0.000062%); highest among the groups gnomAD compares: Non-Finnish European, 0.000085%; no homozygotes.

Submission:

Labcorp Genetics (formerly Invitae), Labcorp
Classification: Uncertain significance. Last evaluated: 2023-12-12. Review status: criteria provided, single submitter. Criteria: Invitae Variant Classification Sherloc (09022015). Collection method: clinical testing. Allele origin: germline.
Comment: This sequence change replaces leucine, which is neutral and non-polar, with isoleucine, which is neutral and non-polar, at codon 848 of the IL6ST protein (p.Leu848Ile). This variant is present in population databases (no rsID available, gnomAD 0.007%). This variant has not been reported in the literature in individuals affected with IL6ST-related conditions. An algorithm developed to predict the effect of missense changes on protein structure and function (PolyPhen-2) suggests that this variant is likely to be tolerated. In summary, the available evidence is currently insufficient to determine the role of this variant in disease. Therefore, it has been classified as a Variant of Uncertain Significance.